The following is an entry in ClinVar:

NM_002830.4(PTPN4):c.710T>C (p.Met237Thr)

Gene: PTPN4 (protein tyrosine phosphatase non-receptor type 4; plus strand). Cytogenetic location: 2q14.2.
Variant type: single nucleotide variant.
Coding change: c.710T>C on transcript NM_002830.4 (MANE Select); coding-DNA position 710, T replaced by C.
Protein change: p.Met237Thr; replaces methionine 237 with threonine.
Molecular consequence: missense variant.
Genome position (GRCh38, 1-based): chr2:119,900,752, T>C. VCF-style: chr2-119900752-T-C. GRCh37 (hg19) VCF-style: chr2-120658328-T-C.
Other names: short protein forms M237T.
Identifiers: ClinVar variation 2651308 (VCV002651308.24), dbSNP rs61748154, ClinGen allele CA1849369.

ClinVar aggregate classification (germline): Benign (1 of 4 stars; one submission).

Allele frequency attached by ClinVar (database versions not stated): 1000 Genomes Project 0.00339; 1000 Genomes Project 30x 0.00344; gnomAD 0.00512; TOPMed 0.00554; ExAC 0.00582; ESP Exome Variant Server 0.00601; gnomAD exomes 0.00687.
gnomAD v4.1: 10,609 of 1,587,582 alleles (0.67%); highest among the groups gnomAD compares: Middle Eastern, 1.4%; 35 homozygotes.

Submission:

CeGaT Center for Human Genetics Tuebingen
Classification: Benign. Last evaluated: 2022-03-01. Review status: criteria provided, single submitter. Criteria: CeGaT Center For Human Genetics Tuebingen Variant Classification Criteria Version 2. Collection method: clinical testing. Allele origin: germline. Affected: yes. Observed: 1 variant allele.
Comment: PTPN4: BS1, BS2